The following is an entry in ClinVar:

NM_016648.4(LARP7):c.106G>A (p.Ala36Thr)

Gene: LARP7 (La ribonucleoprotein 7, transcriptional regulator; plus strand). Cytogenetic location: 4q25.
Variant type: single nucleotide variant.
Coding change: c.106G>A on transcript NM_016648.4 (MANE Select); coding-DNA position 106, G replaced by A.
Protein change: p.Ala36Thr; replaces alanine 36 with threonine.
Molecular consequence: missense variant. On other transcripts: intron variant (2).
Genome position (GRCh38, 1-based): chr4:112,644,775, G>A. VCF-style: chr4-112644775-G-A. GRCh37 (hg19) VCF-style: chr4-113565931-G-A.
Other names: c.106G>A, p.Ala36Thr (NM_001267039.4, NM_001370974.1, NM_001370975.1 and 6 more transcripts); c.-36+7G>A (NM_001370982.1, NM_001370981.1); c.106G>A (NM_016648.3); short protein forms A36T.
Identifiers: ClinVar variation 4623547 (VCV004623547.2).
Genomic context (GRCh38, chr4:112,644,775, plus strand): 5'-AGCACTGAAAAGAAAAAAGAAGTTGAAAAAAAGAAACGGTCACGAGTTAAACAGGTGCTT[G>A]CAGATATTGCTAAGCAAGTGGACTTCTGGTTTGGGGATGCAAATCTTCACAAGGATAGAT-3'
Protein context (NP_057732.2, residues 26-46): KKRSRVKQVL[Ala36Thr]DIAKQVDFWF

ClinVar aggregate classification (germline): Uncertain significance. Review status: criteria provided, multiple submitters, no conflicts (2 of 4 stars). 2 submissions from 2 submitters: Uncertain significance (2). Last evaluated 2026-01-31.

Conditions:
Inborn genetic diseases. Identifiers: MedGen C0950123, MeSH D030342.

gnomAD v4.1: 15 of 1,607,026 alleles (0.00093%); highest among the groups gnomAD compares: Admixed American, 0.025%; no homozygotes.

Submissions (2):

GeneDx
Classification: Uncertain significance. Last evaluated: 2026-01-31. Review status: criteria provided, single submitter. Criteria: GeneDx Variant Classification Process June 2021. Collection method: clinical testing. Allele origin: germline.
Comment: In silico analysis suggests that this missense variant does not alter protein structure/function; Has not been previously published as pathogenic or benign to our knowledge

Ambry Genetics
Classification: Uncertain significance for Inborn genetic diseases. Last evaluated: 2025-12-09. Review status: criteria provided, single submitter. Criteria: Ambry Variant Classification Scheme 2023. Collection method: clinical testing. Allele origin: germline.